The following is an entry in ClinVar:

ClinVar aggregate classification (germline): Uncertain significance. Review status: criteria provided, multiple submitters, no conflicts (2 of 4 stars). 3 submissions from 3 submitters: Uncertain significance (2). 1 of the submissions does not count toward it. Last evaluated 2024-11-22.

Conditions:
Charcot-Marie-Tooth disease type 2. Also called: Charcot-Marie-Tooth type 2. Identifiers: Orphanet 64746, MedGen C0270914, MONDO:0018993.
NEUROBLASTOMA, SUSCEPTIBILITY TO, 1, INCLUDED.

Allele frequency attached by ClinVar (database versions not stated): gnomAD exomes below 0.00001 and 0.00001; gnomAD 0.00001; TOPMed below 0.00001.
gnomAD v4.1: 10 of 1,614,020 alleles (0.00062%); highest among the groups gnomAD compares: Non-Finnish European, 0.00076%; no homozygotes.

Submissions (3):

Labcorp Genetics (formerly Invitae), Labcorp
Classification: Uncertain significance for Charcot-Marie-Tooth disease type 2. Last evaluated: 2024-11-22. Review status: criteria provided, single submitter. Criteria: Invitae Variant Classification Sherloc (09022015). Collection method: clinical testing. Allele origin: germline.
Comment: This sequence change replaces serine, which is neutral and polar, with asparagine, which is neutral and polar, at codon 1481 of the KIF1B protein (p.Ser1481Asn). This variant is present in population databases (rs121908164, gnomAD 0.002%). This missense change has been observed in individual(s) with clinical features of autosomal dominant KIF1B-related conditions (PMID: 18726616, 33112832). ClinVar contains an entry for this variant (Variation ID: 4662). An algorithm developed to predict the effect of missense changes on protein structure and function (PolyPhen-2) suggests that this variant is likely to be tolerated. Experimental studies have shown that this missense change affects KIF1B function (PMID: 18334619). In summary, the available evidence is currently insufficient to determine the role of this variant in disease. Therefore, it has been classified as a Variant of Uncertain Significance.

Ambry Genetics
Classification: Uncertain significance. Last evaluated: 2022-11-17. Review status: criteria provided, single submitter. Criteria: Ambry Variant Classification Scheme 2023. Collection method: clinical testing. Allele origin: germline.
Comment: The p.S1481N variant (also known as c.4442G>A), located in coding exon 40 of the KIF1B gene, results from a G to A substitution at nucleotide position 4442. The serine at codon 1481 is replaced by asparagine, an amino acid with highly similar properties. This alteration has been identified in a patient with multiple tumors of the neural crest (neuroblastoma, ganglioneuroma and leiomyosarcoma) in addition to bilateral pheochromocytoma (Schlisio S et al. Genes Dev., 2008 Apr;22:884-93; Yeh IT et al. Hum. Genet., 2008 Oct;124:279-85). None of the neural tumors had loss of heterozygosity, however the lung adenocarcinoma did (Yeh IT et al. Hum. Genet., 2008 Oct;124:279-85). Functional analysis indicates that although this variant is able to stimulate DHX9 nuclear localization, the apoptosis that normally ensues is significantly impaired (Schlisio S et al. Genes Dev., 2008 Apr;22:884-93; Fell SM et al. Genes Dev., 2017 05;31:1036-1053). This amino acid position is well conserved in available vertebrate species. In addition, this alteration is predicted to be tolerated by in silico analysis. Since supporting evidence is limited at this time, the clinical significance of this alteration remains unclear.

OMIM
Classification: risk factor for NEUROBLASTOMA, SUSCEPTIBILITY TO, 1, INCLUDED. Last evaluated: 2008-10-01. Review status: no assertion criteria provided. Collection method: literature only. Allele origin: unknown. Not counted in ClinVar's aggregate classification.

Literature cited by the submitters: PubMed 18726616 (cited by 3 submitters); PubMed 33112832 (cited by Labcorp Genetics (formerly Invitae), Labcorp and OMIM); PubMed 18334619 (cited by 3 submitters); PubMed 24469107 (cited by Ambry Genetics); PubMed 28637693 (cited by Ambry Genetics).

NM_001365951.3(KIF1B):c.4580G>A (p.Ser1527Asn)

Gene: KIF1B (kinesin family member 1B; plus strand). Cytogenetic location: 1p36.22.
Variant type: single nucleotide variant.
Coding change: c.4580G>A on transcript NM_001365951.3 (MANE Select); coding-DNA position 4580, G replaced by A.
Protein change: p.Ser1527Asn; replaces serine 1527 with asparagine.
Molecular consequence: missense variant.
Genome position (GRCh38, 1-based): chr1:10,365,476, G>A. VCF-style: chr1-10365476-G-A. GRCh37 (hg19) VCF-style: chr1-10425534-G-A.
Other names: c.4580G>A, p.Ser1527Asn (NM_001365952.1); c.4442G>A, p.Ser1481Asn (NM_015074.3); short protein forms S1481N, S1527N.
Identifiers: ClinVar variation 4662 (VCV000004662.8), dbSNP rs121908164, ClinGen allele CA116996.